The following is an entry in ClinVar:

ClinVar aggregate classification (germline): Uncertain significance (1 of 4 stars; one submission).

Submission:

Ambry Genetics
Classification: Uncertain significance. Last evaluated: 2021-12-01. Review status: criteria provided, single submitter. Criteria: Ambry Variant Classification Scheme 2023. Collection method: clinical testing. Allele origin: germline.
Comment: The p.D287N variant (also known as c.859G>A), located in coding exon 3 of the ALPK2 gene, results from a G to A substitution at nucleotide position 859. The aspartic acid at codon 287 is replaced by asparagine, an amino acid with highly similar properties. This amino acid position is conserved. In addition, this alteration is predicted to be tolerated by in silico analysis. Since supporting evidence is limited at this time, the clinical significance of this alteration remains unclear.

NM_052947.4(ALPK2):c.859G>A (p.Asp287Asn)

Genes: ALPK2 (alpha kinase 2; minus strand), LOC114803473 (ALPK2 eExon liver enhancer; plus strand). Cytogenetic location: 18q21.31.
Variant type: single nucleotide variant.
Coding change: c.859G>A on transcript NM_052947.4 (MANE Select); coding-DNA position 859, G replaced by A.
Protein change: p.Asp287Asn; replaces aspartic acid 287 with asparagine.
Molecular consequence: missense variant.
Genome position (GRCh38, 1-based): chr18:58,579,917, C>T on the plus strand (G>A on the coding strand, the complement: ALPK2 is on the minus strand). VCF-style: chr18-58579917-C-T. GRCh37 (hg19) VCF-style: chr18-56247149-C-T.
Other names: short protein forms D287N.
Identifiers: ClinVar variation 1763979 (VCV001763979.2), dbSNP rs770733887, ClinGen allele CA402567023.
Genomic context (GRCh38, chr18:58,579,917, plus strand): 5'-CACTGTCAGAGTCTTCACTGGAAAGCTGTGGGCTGGGTTGTTTGTTGGCCACGGCACTGT[C>T]ACCTGGGTAAATGTGTGCAGTTGCCTCAGATAGCGGGAGGCTGAAGCTAATGTATTTCTG-3'
Protein context (NP_443179.3, residues 277-297): SEATAHIYPG[Asp287Asn]SAVANKQPSP